The following is an entry in ClinVar:

ClinVar aggregate classification (germline): Conflicting classifications of pathogenicity. Review status: criteria provided, conflicting classifications (1 of 4 stars). 8 submissions from 8 submitters: Uncertain significance (1); Likely benign (7). Last evaluated 2026-03-13.

Conditions:
Cardiovascular phenotype. Identifiers: MedGen CN230736.
Autosomal recessive limb-girdle muscular dystrophy type 2J (LGMDR10). Also called: Limb-girdle muscular dystrophy, type 2J; MUSCULAR DYSTROPHY, LIMB-GIRDLE, AUTOSOMAL RECESSIVE 10. Identifiers: Orphanet 140922, MedGen C1837342, MONDO:0012127, OMIM 608807.
Dilated cardiomyopathy 1G (CMD1G). Identifiers: Orphanet 154, MedGen C1858763, MONDO:0011400, OMIM 604145.
Cardiomyopathy (CMYO). Also called: Cardiomyopathies. Identifiers: Orphanet 167848, MedGen C0878544, MONDO:0004994, HP:0001638. Inheritance: Various modes of inheritance.

Allele frequency attached by ClinVar (database versions not stated): TOPMed 0.00005; gnomAD 0.00007 and 0.00009; gnomAD exomes 0.00007 and 0.00012; ExAC 0.00008; ESP Exome Variant Server 0.00008.
gnomAD v4.1: 194 of 1,613,934 alleles (0.012%); highest among the groups gnomAD compares: Middle Eastern, 0.45%; 3 homozygotes.

Submissions (8):

Women's Health and Genetics/Laboratory Corporation of America, LabCorp
Classification: Likely benign. Last evaluated: 2026-03-13. Review status: criteria provided, single submitter. Criteria: LabCorp Variant Classification Summary - May 2015. Collection method: clinical testing. Allele origin: germline.

Labcorp Genetics (formerly Invitae), Labcorp
Classification: Likely benign for Dilated cardiomyopathy 1G; Autosomal recessive limb-girdle muscular dystrophy type 2J. Last evaluated: 2025-11-27. Review status: criteria provided, single submitter. Criteria: Invitae Variant Classification Sherloc (09022015). Collection method: clinical testing. Allele origin: germline.

Blueprint Genetics
Classification: Likely benign. Last evaluated: 2024-04-08. Review status: criteria provided, single submitter. Criteria: ACMG Guidelines, 2015. Collection method: clinical testing. Allele origin: germline.

CeGaT Center for Human Genetics Tuebingen
Classification: Likely benign. Last evaluated: 2023-08-01. Review status: criteria provided, single submitter. Criteria: CeGaT Center For Human Genetics Tuebingen Variant Classification Criteria Version 2. Collection method: clinical testing. Allele origin: germline. Affected: yes. Observed: 1 variant allele.
Comment: TTN: BP4, BP7

CHEO Genetics Diagnostic Laboratory, Children's Hospital of Eastern Ontario
Classification: Likely benign for Cardiomyopathy. Last evaluated: 2022-11-25. Review status: criteria provided, single submitter. Criteria: ACMG Guidelines, 2015. Collection method: clinical testing. Allele origin: germline.

Ambry Genetics
Classification: Likely benign for Cardiovascular phenotype. Last evaluated: 2020-10-13. Review status: criteria provided, single submitter. Criteria: Ambry Variant Classification Scheme 2023. Collection method: clinical testing. Allele origin: germline.

Eurofins Ntd Llc (ga)
Classification: Uncertain significance. Last evaluated: 2018-09-12. Review status: criteria provided, single submitter. Criteria: EGL ClinVar v180209 classification definitions. Collection method: clinical testing. Allele origin: germline. Observed: 5 variant alleles, 5 heterozygotes.

PreventionGenetics, part of Exact Sciences
Classification: Likely benign. Review status: criteria provided, single submitter. Criteria: ACMG Guidelines, 2015. Collection method: clinical testing. Allele origin: germline.

NM_001267550.2(TTN):c.104943A>G (p.Glu34981=)

Genes: TTN (titin; minus strand), TTN-AS1 (TTN antisense RNA 1; plus strand). Cytogenetic location: 2q31.2.
Variant type: single nucleotide variant.
Coding change: c.104943A>G on transcript NM_001267550.2 (MANE Select); coding-DNA position 104943, A replaced by G.
Protein change: p.Glu34981=; no amino-acid change (glutamic acid 34981 retained).
Molecular consequence: synonymous variant.
Genome position (GRCh38, 1-based): chr2:178,531,672, T>C on the plus strand (A>G on the coding strand, the complement: TTN is on the minus strand). VCF-style: chr2-178531672-T-C. GRCh37 (hg19) VCF-style: chr2-179396399-T-C.
Other names: c.100020A>G, p.Glu33340= (NM_001256850.1); c.77748A>G, p.Glu25916= (NM_003319.4); c.97239A>G, p.Glu32413= (NM_133378.4); c.78123A>G, p.Glu26041= (NM_133432.3); c.78324A>G, p.Glu26108= (NM_133437.4).
Identifiers: ClinVar variation 262340 (VCV000262340.46), dbSNP rs372312805, ClinGen allele CA1985333.